The following is an entry in ClinVar:

NM_000535.7(PMS2):c.2369T>C (p.Leu790Pro)

Gene: PMS2 (PMS1 homolog 2, mismatch repair system component; minus strand). Cytogenetic location: 7p22.1.
Variant type: single nucleotide variant.
Coding change: c.2369T>C on transcript NM_000535.7 (MANE Select); coding-DNA position 2369, T replaced by C.
Protein change: p.Leu790Pro; replaces leucine 790 with proline.
Molecular consequence: missense variant. On other transcripts: non-coding transcript variant (1).
Genome position (GRCh38, 1-based): chr7:5,977,664, A>G on the plus strand (T>C on the coding strand, the complement: PMS2 is on the minus strand). VCF-style: chr7-5977664-A-G. GRCh37 (hg19) VCF-style: chr7-6017295-A-G.
Other names: c.1964T>C, p.Leu655Pro (NM_001018040.1, NM_001322003.2, NM_001322004.2 and 12 more transcripts); c.2213T>C, p.Leu738Pro (NM_001322006.2); c.2051T>C, p.Leu684Pro (NM_001322007.2, NM_001322008.2, NM_001406883.1); c.1997T>C, p.Leu666Pro (NM_001322009.2, NM_001406887.1, NM_001406888.1); c.1808T>C, p.Leu603Pro (NM_001322010.2, NM_001406906.1, NM_001406907.1); c.1436T>C, p.Leu479Pro (NM_001322011.2, NM_001322012.2); c.1796T>C, p.Leu599Pro (NM_001322013.2, NM_001406908.1, NM_001406909.1); c.2402T>C, p.Leu801Pro (NM_001322014.2); and 20 more; short protein forms L533P, L635P, L668P, L682P, L695P, L734P, L798P, L389P.
Identifiers: ClinVar variation 1790258 (VCV001790258.2), dbSNP rs2128673550, ClinGen allele CA366735800.
Genomic context (GRCh38, chr7:5,977,664, plus strand): 5'-CTGGAGGCAAACATCTGCTTGACTCGGGAAGGCCGGCACATGACCCCAGGGCTGTCGCTC[A>G]GCATGAAGATCAGTTCATCGACGTCCTGGGGTCCGAAGGTCCAGTTTTTACTAGTTGGCA-3'
Protein context (NP_000526.2, residues 780-800): PQDVDELIFM[Leu790Pro]SDSPGVMCRP

ClinVar aggregate classification (germline): Uncertain significance (1 of 4 stars; one submission).

Conditions:
Hereditary cancer-predisposing syndrome. Also called: Hereditary Cancer Syndrome; Hereditary neoplastic syndrome; Tumor predisposition; Neoplastic Syndromes, Hereditary. Identifiers: Orphanet 140162, MedGen C0027672, MeSH D009386, MONDO:0015356.

Allele frequency attached by ClinVar (database versions not stated): gnomAD exomes below 0.00001.
gnomAD v4.1: 2 of 1,605,780 alleles (0.00012%); highest among the groups gnomAD compares: Non-Finnish European, 0.00017%; no homozygotes.

Submission:

Ambry Genetics
Classification: Uncertain significance for Hereditary cancer-predisposing syndrome. Last evaluated: 2022-07-14. Review status: criteria provided, single submitter. Criteria: Ambry Variant Classification Scheme 2023. Collection method: clinical testing. Allele origin: germline.
Comment: The p.L790P variant (also known as c.2369T>C), located in coding exon 14 of the PMS2 gene, results from a T to C substitution at nucleotide position 2369. The leucine at codon 790 is replaced by proline, an amino acid with similar properties. This amino acid position is highly conserved in available vertebrate species. In addition, this alteration is predicted to be deleterious by in silico analysis. Since supporting evidence is limited at this time, the clinical significance of this alteration remains unclear.